The following is an entry in ClinVar:

NM_001378454.1(ALMS1):c.322A>C (p.Lys108Gln)

Gene: ALMS1 (ALMS1 centrosome and basal body associated protein; plus strand). Cytogenetic location: 2p13.1.
Variant type: single nucleotide variant.
Coding change: c.322A>C on transcript NM_001378454.1 (MANE Select); coding-DNA position 322, A replaced by C.
Protein change: p.Lys108Gln; replaces lysine 108 with glutamine.
Molecular consequence: missense variant.
Genome position (GRCh38, 1-based): chr2:73,386,190, A>C. VCF-style: chr2-73386190-A-C. GRCh37 (hg19) VCF-style: chr2-73613318-A-C.
Other names: c.325A>C, p.Lys109Gln (NM_015120.4); short protein forms K108Q, K109Q.
Identifiers: ClinVar variation 2628426 (VCV002628426.1), dbSNP rs2104060499, ClinGen allele CA347251070.
Genomic context (GRCh38, chr2:73,386,190, plus strand): 5'-TTGCCTCCGCTGTCGCCCCCGCAGCACCGCTACTCGGAGGGCGAGCGGACCTCCCTGGAG[A>C]AGGTGAGGCGGGCCGGGGAGGGGTGTGGAGCCGCGGCGAGTTGGGGGTGGAGGCTGGGCC-3'
Protein context (NP_001365383.1, residues 98-118): YSEGERTSLE[Lys108Gln]IVPLTCHVWQ

ClinVar aggregate classification (germline): Uncertain significance (1 of 4 stars; one submission).

Conditions:
ALMS1-related disorder. Also called: ALMS1-related condition.

Submission:

PreventionGenetics, part of Exact Sciences
Classification: Uncertain significance for ALMS1-related condition. Last evaluated: 2022-10-20. Review status: criteria provided, single submitter. Criteria: ACMG Guidelines, 2015. Collection method: clinical testing. Allele origin: germline.
Comment: The ALMS1 c.325A>C variant is predicted to result in the amino acid substitution p.Ile109Leu. To our knowledge, this variant has not been reported in the literature or in a large population database, indicating this variant is rare. At this time, the clinical significance of this variant is uncertain due to the absence of conclusive functional and genetic evidence.